The following is an entry in ClinVar:

NM_016138.5(COQ7):c.492C>G (p.Tyr164Ter)

Gene: COQ7 (coenzyme Q7, hydroxylase; plus strand). Cytogenetic location: 16p12.3.
Variant type: single nucleotide variant.
Coding change: c.492C>G on transcript NM_016138.5 (MANE Select); coding-DNA position 492, C replaced by G.
Protein change: p.Tyr164Ter; replaces tyrosine 164 with a stop codon.
Molecular consequence: nonsense. On other transcripts: non-coding transcript variant (3).
Genome position (GRCh38, 1-based): chr16:19,075,845, C>G. VCF-style: chr16-19075845-C-G. GRCh37 (hg19) VCF-style: chr16-19087167-C-G.
Other names: c.378C>G, p.Tyr126Ter (NM_001190983.2, NM_001370492.1, NM_001370493.1 and 2 more transcripts); c.450C>G, p.Tyr150Ter (NM_001370489.1, NM_001370491.1); c.492C>G, p.Tyr164Ter (NM_001370490.1); short protein forms Y126*, Y150*, Y164*.
Identifiers: ClinVar variation 4850261 (VCV004850261.1).

ClinVar aggregate classification (germline): Likely pathogenic (1 of 4 stars; one submission).

Conditions:
Neuronopathy, distal hereditary motor, autosomal recessive 9 (HMNR9). Also called: NEUROPATHY, DISTAL HEREDITARY MOTOR, AUTOSOMAL RECESSIVE 9. Identifiers: Orphanet 658778, MedGen C5882672, MONDO:0957874, OMIM 620402.
Primary coenzyme Q10 deficiency 8. Identifiers: MedGen C4225226, MONDO:0014754, OMIM 616733.

Submission:

First Genomix Gene Laboratory, Genetic Diagnostics Department
Classification: Likely pathogenic for Primary coenzyme Q10 deficiency 8; Neuronopathy, distal hereditary motor, autosomal recessive 9. Last evaluated: 2025-09-08. Review status: criteria provided, single submitter. Criteria: ACMG Guidelines, 2015. Collection method: clinical testing. Allele origin: germline. Inheritance: Autosomal recessive inheritance. Affected: no. Observed: 1 variant allele.